The following is an entry in ClinVar:

NM_000214.3(JAG1):c.2920C>G (p.Leu974Val)

Gene: JAG1 (jagged canonical Notch ligand 1; minus strand). Cytogenetic location: 20p12.2.
Variant type: single nucleotide variant.
Coding change: c.2920C>G on transcript NM_000214.3 (MANE Select); coding-DNA position 2920, C replaced by G.
Protein change: p.Leu974Val; replaces leucine 974 with valine.
Molecular consequence: missense variant.
Genome position (GRCh38, 1-based): chr20:10,641,241, G>C on the plus strand (C>G on the coding strand, the complement: JAG1 is on the minus strand). VCF-style: chr20-10641241-G-C. GRCh37 (hg19) VCF-style: chr20-10621889-G-C.
Other names: c.2920C>G (NM_000214.2); short protein forms L974V.
Identifiers: ClinVar variation 2052728 (VCV002052728.7), dbSNP rs757277327, ClinGen allele CA9764341.

ClinVar aggregate classification (germline): Uncertain significance. Review status: criteria provided, multiple submitters, no conflicts (2 of 4 stars). 3 submissions from 3 submitters: Uncertain significance (3). Last evaluated 2026-07-14.

Conditions:
Alagille syndrome due to a JAG1 point mutation. Also called: HEPATIC DUCTULAR HYPOPLASIA, SYNDROMATIC; Alagille Syndrome 1; JAG1-Related Alagille Syndrome. Identifiers: Orphanet 261619, Orphanet 52, MedGen C1956125, MONDO:0016862, OMIM 118450.
Cardiovascular phenotype. Identifiers: MedGen CN230736.

Allele frequency attached by ClinVar (database versions not stated): ExAC 0.00001.

Submissions (3):

Ambry Genetics
Classification: Uncertain significance for Cardiovascular phenotype. Last evaluated: 2026-07-14. Review status: criteria provided, single submitter. Criteria: Ambry Variant Classification Scheme 2023. Collection method: clinical testing. Allele origin: germline.

Labcorp Genetics (formerly Invitae), Labcorp
Classification: Uncertain significance for Alagille syndrome due to a JAG1 point mutation. Last evaluated: 2024-08-06. Review status: criteria provided, single submitter. Criteria: Invitae Variant Classification Sherloc (09022015). Collection method: clinical testing. Allele origin: germline.
Comment: This sequence change replaces leucine, which is neutral and non-polar, with valine, which is neutral and non-polar, at codon 974 of the JAG1 protein (p.Leu974Val). This variant is not present in population databases (gnomAD no frequency). This variant has not been reported in the literature in individuals affected with JAG1-related conditions. ClinVar contains an entry for this variant (Variation ID: 2052728). Advanced modeling of protein sequence and biophysical properties (such as structural, functional, and spatial information, amino acid conservation, physicochemical variation, residue mobility, and thermodynamic stability) performed at Invitae indicates that this missense variant is not expected to disrupt JAG1 protein function with a negative predictive value of 95%. In summary, the available evidence is currently insufficient to determine the role of this variant in disease. Therefore, it has been classified as a Variant of Uncertain Significance.

Blueprint Genetics
Classification: Uncertain significance. Last evaluated: 2021-04-26. Review status: criteria provided, single submitter. Criteria: ACMG Guidelines, 2015. Collection method: clinical testing. Allele origin: germline.